The following is an entry in ClinVar:

NC_000015.10:g.89335160T>C

Genes: POLG (DNA polymerase gamma, catalytic subunit; minus strand), POLG-DT (POLG divergent transcript; plus strand). Cytogenetic location: 15q26.1.
Variant type: single nucleotide variant.
Genome position: GRCh38 VCF-style: chr15-89335160-T-C. GRCh37 (hg19) VCF-style: chr15-89878391-T-C.
Identifiers: ClinVar variation 695736 (VCV000695736.11), dbSNP rs2856268, ClinGen allele CA14089294.
Genomic context (GRCh38, chr15:89,335,160, plus strand): 5'-CTGACTTCGGATCAGAAGATTGCAGGTTCGAGTCCTGCCGCGGTCGAAGGGAGGTTATGA[T>C]TAACTTTTAGTTTATTCCTCCCTCAGGAACGAAGTATTGGGACAATGTGAACGTAGTCGC-3'

ClinVar aggregate classification (germline): Benign. Review status: criteria provided, multiple submitters, no conflicts (2 of 4 stars). 3 submissions from 3 submitters: Benign (3). Last evaluated 2026-01-26.

Conditions:
Progressive sclerosing poliodystrophy (MTDPS4A). Also called: Alpers Syndrome; ALPERS DIFFUSE DEGENERATION OF CEREBRAL GRAY MATTER WITH HEPATIC CIRRHOSIS; Mitochondrial DNA depletion syndrome 4A (Alpers type); ALPERS PROGRESSIVE INFANTILE POLIODYSTROPHY; Mitochondrial DNA Depletion Syndrome 4A; Alpers-Huttenlocher Syndrome (AHS). Identifiers: Orphanet 726, MedGen C0205710, MONDO:0008758, OMIM 203700.

Allele frequency attached by ClinVar (database versions not stated): 1000 Genomes Project 0.30771; 1000 Genomes Project 30x 0.30606; TOPMed 0.32565; gnomAD exomes 0.25000.

Submissions (3):

Labcorp Genetics (formerly Invitae), Labcorp
Classification: Benign for Progressive sclerosing poliodystrophy. Last evaluated: 2026-01-26. Review status: criteria provided, single submitter. Criteria: Invitae Variant Classification Sherloc (09022015). Collection method: clinical testing. Allele origin: germline.

GeneDx
Classification: Benign. Last evaluated: 2019-10-03. Review status: criteria provided, single submitter. Criteria: GeneDx Variant Classification Process June 2021. Collection method: clinical testing. Allele origin: germline. Affected: yes.
Comment: This variant is associated with the following publications: (PMID: 22684821)

Breakthrough Genomics
Classification: Benign. Review status: criteria provided, single submitter. Criteria: ACMG Guidelines, 2015. Collection method: not provided. Allele origin: germline. Inheritance: Autosomal recessive inheritance. Affected: yes.